The following is an entry in ClinVar:

ClinVar aggregate classification (germline): Pathogenic (1 of 4 stars; one submission).

Conditions:
Fanconi anemia (FA). Also called: Fanconi's anemia. Identifiers: Orphanet 84, MedGen C0015625, MeSH D005199, MONDO:0019391.

Submission:

Labcorp Genetics (formerly Invitae), Labcorp
Classification: Pathogenic for Fanconi anemia. Last evaluated: 2022-05-10. Review status: criteria provided, single submitter. Criteria: Invitae Variant Classification Sherloc (09022015). Collection method: clinical testing. Allele origin: germline.
Comment: This variant is a gross deletion of the genomic region encompassing exon(s) 13 of the SLX4 gene. This deletion is out-of-frame, and is expected to create a premature termination codon and result in an absent or disrupted protein product. Loss-of-function variants in SLX4 are known to be pathogenic (PMID: 21240277). This variant has not been reported in the literature in individuals affected with SLX4-related conditions. For these reasons, this variant has been classified as Pathogenic.

Literature cited by the submitters: PubMed 21240277.

NC_000016.9:g.(?_3634760)_(3634882_?)del

Gene: SLX4 (SLX4 structure-specific endonuclease subunit; minus strand). Cytogenetic location: 16p13.3.
Variant type: Deletion.
Identifiers: ClinVar variation 1458487 (VCV001458487.7).